The following is an entry in ClinVar:

NM_001401501.2(MUC16):c.10235C>T (p.Pro3412Leu)

Gene: MUC16 (mucin 16, cell surface associated; minus strand). Cytogenetic location: 19p13.2.
Variant type: single nucleotide variant.
Coding change: c.10235C>T on transcript NM_001401501.2 (MANE Select); coding-DNA position 10235, C replaced by T.
Protein change: p.Pro3412Leu; replaces proline 3412 with leucine.
Molecular consequence: missense variant.
Genome position (GRCh38, 1-based): chr19:8,966,655, G>A on the plus strand (C>T on the coding strand, the complement: MUC16 is on the minus strand). VCF-style: chr19-8966655-G-A. GRCh37 (hg19) VCF-style: chr19-9077331-G-A.
Other names: c.10661C>T, p.Pro3554Leu (NM_001414686.1); c.10115C>T, p.Pro3372Leu (NM_001414687.1, NM_024690.2); short protein forms P3372L, P3412L, P3554L.
Identifiers: ClinVar variation 3041257 (VCV003041257.2), dbSNP rs143304016, ClinGen allele CA9171530.
Genomic context (GRCh38, chr19:8,966,655, plus strand): 5'-GTCTCGGTTTTATGTTTGGATTTATCTGTCAATGAGCTCACAGAGTTTGGGCTGGTTACA[G>A]GGTCTTCAAGGATATTGGAAGATGTGCTCAGAGAGACATGTGTGTCCCCTGTGGTCCCTC-3'
Protein context (NP_001388430.1, residues 3402-3422): LSTSSNILED[Pro3412Leu]VTSPNSVSSL

ClinVar aggregate classification (germline): Benign (0 of 4 stars; one submission).

Conditions:
MUC16-related disorder. Also called: MUC16-related condition.

Allele frequency attached by ClinVar (database versions not stated): gnomAD exomes 0.00032; ExAC 0.00099; gnomAD 0.00319; TOPMed 0.00357; ESP Exome Variant Server 0.00403; 1000 Genomes Project 0.00539; 1000 Genomes Project 30x 0.00562.

Submission:

PreventionGenetics, part of Exact Sciences
Classification: Benign for MUC16-related condition. Last evaluated: 2019-05-31. Review status: no assertion criteria provided. Collection method: clinical testing. Allele origin: germline.
Comment: This variant is classified as benign based on ACMG/AMP sequence variant interpretation guidelines (Richards et al. 2015 PMID: 25741868, with internal and published modifications).